The following is an entry in ClinVar:

NM_007294.4(BRCA1):c.1802A>G (p.His601Arg)

Gene: BRCA1 (BRCA1 DNA repair associated; minus strand). Cytogenetic location: 17q21.31.
Variant type: single nucleotide variant.
Coding change: c.1802A>G on transcript NM_007294.4 (MANE Select); coding-DNA position 1802, A replaced by G.
Protein change: p.His601Arg; replaces histidine 601 with arginine.
Molecular consequence: missense variant. On other transcripts: intron variant (137).
Genome position (GRCh38, 1-based): chr17:43,093,729, T>C on the plus strand (A>G on the coding strand, the complement: BRCA1 is on the minus strand). VCF-style: chr17-43093729-T-C. GRCh37 (hg19) VCF-style: chr17-41245746-T-C.
Other names: c.1592A>G, p.His531Arg (NM_001407889.1, NM_001407879.1, NM_001407881.1 and 13 more transcripts); c.1589A>G, p.His530Arg (NM_001407894.1, NM_001407895.1, NM_001407896.1 and 9 more transcripts); c.1679A>G, p.His560Arg (NM_001407919.1, NM_001407937.1, NM_001407938.1 and 19 more transcripts); c.1538A>G, p.His513Arg (NM_001407920.1, NM_001407921.1, NM_001407922.1 and 9 more transcripts); c.1535A>G, p.His512Arg (NM_001407936.1, NM_001407930.1, NM_001407931.1 and 2 more transcripts); c.1676A>G, p.His559Arg (NM_001407940.1, NM_001407941.1, NM_001407649.1 and 11 more transcripts); c.1661A>G, p.His554Arg (NM_001407942.1, NM_001407944.1, NM_001407692.1 and 29 more transcripts); c.1658A>G, p.His553Arg (NM_001407943.1, NM_001407964.1, NM_001407740.1 and 20 more transcripts); and 40 more; short protein forms H601R, H554R, H305R, H474R, H490R, H530R, H553R, H575R.
Identifiers: ClinVar variation 188204 (VCV000188204.31), dbSNP rs371631805, ClinGen allele CA001172.
Genomic context (GRCh38, chr17:43,093,729, plus strand): 5'-TGAATATGCCTGGTAGAAGACTTCCTCCTCAGCCTATTCTTTTTAGGTGCTTTTGAATTG[T>C]GGATATTTAATTCGAGTTCCATATTGCTTATACTGCTGCTTATAGGTTCAGCTTTCGTTT-3'
Protein context (NP_009225.1, residues 591-611): ISNMELELNI[His601Arg]NSKAPKKNRL

ClinVar aggregate classification (germline): Conflicting classifications of pathogenicity. Review status: criteria provided, conflicting classifications (1 of 4 stars). 10 submissions from 10 submitters: Uncertain significance (6); Likely benign (3). 1 of the submissions does not count toward it. Last evaluated 2026-07-02.

Conditions:
BRCA1-related disorder. Also called: BRCA1-related condition.
Hereditary breast ovarian cancer syndrome. Also called: Hereditary breast and ovarian cancer syndrome; Hereditary breast and ovarian cancer syndrome (HBOC); BRCA1- and BRCA2-Associated Hereditary Breast and Ovarian Cancer; Breast and ovarian cancer; Hereditary breast and ovarian cancer; Hereditary breast and/or ovarian cancer syndrome. Identifiers: Orphanet 145, MedGen C0677776, MeSH D061325, MONDO:0003582. Disease mechanism: loss of function.
Hereditary cancer-predisposing syndrome. Also called: Hereditary Cancer Syndrome; Hereditary neoplastic syndrome; Tumor predisposition; Neoplastic Syndromes, Hereditary. Identifiers: Orphanet 140162, MedGen C0027672, MeSH D009386, MONDO:0015356.
Breast-ovarian cancer, familial, susceptibility to, 1 (BROVCA1). Also called: OVARIAN CANCER, SUSCEPTIBILITY TO; BRCA1 Hereditary Breast and Ovarian Cancer. Identifiers: Orphanet 145, MedGen C2676676, MONDO:0011450, OMIM 604370. Disease mechanism: loss of function.

Allele frequency attached by ClinVar (database versions not stated): gnomAD exomes below 0.00001 and 0.00001; ExAC 0.00002; gnomAD 0.00005 and 0.00006; ESP Exome Variant Server 0.00008; TOPMed 0.00009.

Submissions (10):

PreventionGenetics, part of Exact Sciences
Classification: Uncertain significance for BRCA1-related condition. Last evaluated: 2026-07-02. Review status: criteria provided, single submitter. Criteria: ACMG Guidelines, 2015. Collection method: clinical testing. Allele origin: germline.
Comment: The BRCA1 c.1802A>G variant is predicted to result in the amino acid substitution p.His601Arg. This variant (reported as 1921A>G) was identified in unaffected control individuals, but not in siblings affected with breast cancer (Table 2, McKean-Cowdin et al. 2005. PubMed ID: 15726418). This variant is reported in 0.012% of alleles in individuals of African descent in gnomAD and has conflicting interpretations regarding its pathogenicity in ClinVar, ranging from likely benign to uncertain (Variation ID: 188204). At this time, the clinical significance of this variant is uncertain due to the absence of conclusive functional and genetic evidence.

Labcorp Genetics (formerly Invitae), Labcorp
Classification: Uncertain significance for Hereditary breast ovarian cancer syndrome. Last evaluated: 2026-01-04. Review status: criteria provided, single submitter. Criteria: Invitae Variant Classification Sherloc (09022015). Collection method: clinical testing. Allele origin: germline.
Comment: This sequence change replaces histidine, which is basic and polar, with arginine, which is basic and polar, at codon 601 of the BRCA1 protein (p.His601Arg). This variant is present in population databases (rs371631805, gnomAD 0.008%). This missense change has been observed in individual(s) with breast cancer (PMID: 15726418). ClinVar contains an entry for this variant (Variation ID: 188204). Invitae Evidence Modeling of protein sequence and biophysical properties (such as structural, functional, and spatial information, amino acid conservation, physicochemical variation, residue mobility, and thermodynamic stability) indicates that this missense variant is not expected to disrupt BRCA1 protein function with a negative predictive value of 80%. In summary, the available evidence is currently insufficient to determine the role of this variant in disease. Therefore, it has been classified as a Variant of Uncertain Significance.

GeneDx
Classification: Uncertain significance. Last evaluated: 2025-08-14. Review status: criteria provided, single submitter. Criteria: GeneDx Variant Classification Process June 2021. Collection method: clinical testing. Allele origin: germline. Affected: yes.
Comment: Observed in a hereditary breast cancer family, but did not segregate with disease (PMID: 15726418); Not observed at significant frequency in large population cohorts (gnomAD); In silico analysis supports that this missense variant has a deleterious effect on protein structure/function; Also known as 1921A>G; This variant is associated with the following publications: (PMID: 32377563, 29884841, 15726418, 10426999, 10792030, 15343273)

Quest Diagnostics Nichols Institute San Juan Capistrano
Classification: Uncertain significance. Last evaluated: 2025-02-17. Review status: criteria provided, single submitter. Criteria: Quest Diagnostics criteria. Collection method: clinical testing. Allele origin: unknown.
Comment: The BRCA1 c.1802A>G (p.His601Arg) variant has been reported in the published literature in a family where three sisters that carried the variant did not have a personal history of cancer, and two sisters that did not carry the variant were affected with breast cancer (PMID: 15726418 (2005)). This variant has also been reported to be located in a region of the BRCA1 gene that tolerant to missense changes (PMID: 31911673 (2020)). The frequency of this variant in the general population (Genome Aggregation Database) is uninformative in the assessment of its pathogenicity. Analysis of this variant using bioinformatics tools for the prediction of the effect of amino acid changes on protein structure and function yielded conflicting predictions that this variant is benign or damaging. Based on the available information, we are unable to determine the clinical significance of this variant.

Women's Health and Genetics/Laboratory Corporation of America, LabCorp
Classification: Uncertain significance. Last evaluated: 2023-07-10. Review status: criteria provided, single submitter. Criteria: LabCorp Variant Classification Summary - May 2015. Collection method: clinical testing. Allele origin: germline.
Comment: Variant summary: BRCA1 c.1802A>G (p.His601Arg) results in a non-conservative amino acid change in the encoded protein sequence. Four of five in-silico tools predict a benign effect of the variant on protein function. The variant allele was found at a frequency of 1.2e-05 in 251246 control chromosomes. The available data on variant occurrences in the general population are insufficient to allow any conclusion about variant significance. c.1802A>G has been reported in the literature in 3 unaffected African American sisters and was not present in their 2 affected sisters with Breast Cancer (McKean-Cowdin_2005) and was not observed to segregate with disease. This report does not provide unequivocal conclusions about association of the variant with Hereditary Breast And Ovarian Cancer Syndrome. To our knowledge, no experimental evidence demonstrating an impact on protein function has been reported. Eight submitters have cited clinical-significance assessments for this variant to ClinVar after 2014. Multiple submitters reported the variant with VUS (n=5) or likely benign (n=3) assessments. Based on the evidence outlined above, the variant was classified as uncertain significance.

University of Washington Department of Laboratory Medicine, University of Washington
Classification: Likely benign for Hereditary cancer-predisposing syndrome. Last evaluated: 2023-03-23. Review status: criteria provided, single submitter. Criteria: Dines et al. (Genet Med. 2020). Collection method: curation. Allele origin: germline.
Comment: Missense variant in a coldspot region where missense variants are very unlikely to be pathogenic (PMID:31911673).

BRCA1 coldspot (exon 11 using historical exon numbering). Reclassification based on statistical prior probability

Sema4
Classification: Uncertain significance for Hereditary cancer-predisposing syndrome. Last evaluated: 2021-12-13. Review status: criteria provided, single submitter. Criteria: Sema4 Curation Guidelines. Collection method: curation. Allele origin: germline.
Comment: To the best of our knowledge, the BRCA1 c.1802A>G (p.H601R) variant has not been reported in individuals with BRCA1-related disease. This variant was observed in 3/24892 chromosomes of the African/African American supopulation according to the Genome Aggregation Database (PMID: 32461654). This variant has been reported in ClinVar (Variation ID: 188204). Functional studies have not been performed, and in silico predictions of the variant's effect on protein function are inconclusive. The evidence is insufficient to meet ACMG/AMP criteria for classifying the variant as benign or pathogenic. Thus, the clinical significance of this variant is currently uncertain.

Ambry Genetics
Classification: Likely benign for Hereditary cancer-predisposing syndrome. Last evaluated: 2019-04-14. Review status: criteria provided, single submitter. Criteria: Ambry Variant Classification Scheme 2023. Collection method: clinical testing. Allele origin: germline.

Color Diagnostics, LLC DBA Color Health
Classification: Likely benign for Hereditary cancer-predisposing syndrome. Last evaluated: 2016-01-22. Review status: criteria provided, single submitter. Criteria: ACMG Guidelines, 2015. Collection method: clinical testing. Allele origin: germline.

Counsyl
Classification: Uncertain significance for Breast-ovarian cancer, familial, susceptibility to, 1. Last evaluated: 2018-03-12. Review status: no assertion criteria provided. Collection method: clinical testing. Allele origin: unknown. Not counted in ClinVar's aggregate classification.

Literature cited by the submitters: PubMed 15726418 (cited by 3 submitters); PubMed 31911673 (cited by Quest Diagnostics Nichols Institute San Juan Capistrano); PubMed 33087888 (cited by Quest Diagnostics Nichols Institute San Juan Capistrano); PubMed 32377563 (cited by Quest Diagnostics Nichols Institute San Juan Capistrano); PubMed 35729312 (cited by Quest Diagnostics Nichols Institute San Juan Capistrano).